The following is an entry in ClinVar:

ClinVar aggregate classification (germline): Likely benign. Review status: criteria provided, multiple submitters, no conflicts (2 of 4 stars). 2 submissions from 2 submitters: Likely benign (2). Last evaluated 2024-02-22.

Conditions:
Classic or attenuated familial adenomatous polyposis. Identifiers: MedGen CN372698, MONDO:0021057.
Familial adenomatous polyposis 1 (FAP1). Also called: POLYPOSIS, ADENOMATOUS INTESTINAL; FAMILIAL ADENOMATOUS POLYPOSIS 1, ATTENUATED. Identifiers: MedGen C2713442, MONDO:0021056, OMIM 175100. Disease mechanism: loss of function.

Submissions (2):

Myriad Genetics, Inc.
Classification: Likely benign for Familial adenomatous polyposis 1. Last evaluated: 2024-02-22. Review status: criteria provided, single submitter. Criteria: Myriad Autosomal Dominant, Autosomal Recessive and X-Linked Classification Criteria (2023). Collection method: clinical testing. Allele origin: unknown.
Comment: This variant is considered likely benign. This variant is intronic and is not expected to impact mRNA splicing.

All of Us Research Program, National Institutes of Health
Classification: Likely benign for Classic or attenuated familial adenomatous polyposis. Last evaluated: 2023-05-30. Review status: criteria provided, single submitter. Criteria: ACMG Guidelines, 2015. Collection method: clinical testing. Allele origin: germline. Inheritance: Autosomal dominant inheritance. Observed: 1 variant allele, 1 heterozygote.
Comment: This study involves interpretation of variants in research participants for the purpose of population health screening. Participant phenotype was not available at the time of variant classification. Additional details can be found in publication PMID: 35346344, PMCID: PMC8962531

NM_000038.6(APC):c.136-6T>C

Gene: APC (APC regulator of Wnt signaling pathway; plus strand). Cytogenetic location: 5q22.2.
Variant type: single nucleotide variant.
Coding change: c.136-6T>C on transcript NM_000038.6 (MANE Select); 6 bases into the intron before coding-DNA position 136, T replaced by C.
Molecular consequence: intron variant.
Genome position (GRCh38, 1-based): chr5:112,766,320, T>C. VCF-style: chr5-112766320-T-C. GRCh37 (hg19) VCF-style: chr5-112102017-T-C.
Other names: c.-900-6T>C (NM_001407470.1, NM_001407472.1, NM_001354906.2 and 1 more transcripts); c.136-6T>C (NM_001407447.1, NM_001354895.2, NM_001407456.1 and 16 more transcripts); c.166-6T>C (NM_001407446.1, NM_001354897.2, NM_001354902.2 and 1 more transcripts); c.-42-6T>C (NM_001407453.1, NM_001354900.2, NM_001354901.2 and 1 more transcripts); c.61-6T>C (NM_001407451.1, NM_001354898.2, NM_001354904.2).
Identifiers: ClinVar variation 3071414 (VCV003071414.2), dbSNP rs2532269919, ClinGen allele CA2578379551.